The following is an entry in ClinVar:

ClinVar aggregate classification (germline): Uncertain significance (1 of 4 stars; one submission).

Allele frequency attached by ClinVar (database versions not stated): gnomAD 0.00001; TOPMed 0.00001.
gnomAD v4.1: 2 of 1,613,978 alleles (0.00012%); highest among the groups gnomAD compares: Admixed American, 0.0017%; no homozygotes.

Submission:

Labcorp Genetics (formerly Invitae), Labcorp
Classification: Uncertain significance. Last evaluated: 2022-06-27. Review status: criteria provided, single submitter. Criteria: Invitae Variant Classification Sherloc (09022015). Collection method: clinical testing. Allele origin: germline.
Comment: This sequence change replaces alanine, which is neutral and non-polar, with glutamic acid, which is acidic and polar, at codon 249 of the DMP1 protein (p.Ala249Glu). This variant is present in population databases (no rsID available, gnomAD 0.007%). This variant has not been reported in the literature in individuals affected with DMP1-related conditions. Algorithms developed to predict the effect of missense changes on protein structure and function output the following: SIFT: "Deleterious"; PolyPhen-2: "Possibly Damaging"; Align-GVGD: "Class C0". The glutamic acid amino acid residue is found in multiple mammalian species, which suggests that this missense change does not adversely affect protein function. In summary, the available evidence is currently insufficient to determine the role of this variant in disease. Therefore, it has been classified as a Variant of Uncertain Significance.

NM_004407.4(DMP1):c.746C>A (p.Ala249Glu)

Genes: DMP1 (dentin matrix acidic phosphoprotein 1; plus strand), DMP1-AS1 (DMP1 and DSPP antisense RNA 1; minus strand). Cytogenetic location: 4q22.1.
Variant type: single nucleotide variant.
Coding change: c.746C>A on transcript NM_004407.4 (MANE Select); coding-DNA position 746, C replaced by A.
Protein change: p.Ala249Glu; replaces alanine 249 with glutamic acid.
Molecular consequence: missense variant.
Genome position (GRCh38, 1-based): chr4:87,662,524, C>A. VCF-style: chr4-87662524-C-A. GRCh37 (hg19) VCF-style: chr4-88583676-C-A.
Other names: c.698C>A, p.Ala233Glu (NM_001079911.3); short protein forms A233E, A249E.
Identifiers: ClinVar variation 1948051 (VCV001948051.5), dbSNP rs1204884799, ClinGen allele CA357699662.